The following is an entry in ClinVar:

NM_003482.4(KMT2D):c.2038dup (p.Thr680fs)

Gene: KMT2D (lysine methyltransferase 2D; minus strand). Cytogenetic location: 12q13.12.
Variant type: Duplication.
Coding change: c.2038dup on transcript NM_003482.4 (MANE Select); coding-DNA position 2038, one base duplicated (A; older notation c.2038dupA).
Protein change: p.Thr680fs; shifts the reading frame from threonine 680.
Molecular consequence: frameshift variant.
Genome position (GRCh38, 1-based): chr12:49,051,645, T duplicated on the plus strand (A on the coding strand, the reverse complement: KMT2D is on the minus strand). VCF-style (leftmost placement, unchanged base first): chr12-49051644-G-GT. GRCh37 (hg19) VCF-style: chr12-49445427-G-GT.
Other names: c.2038dupA (NM_003482.3); short protein forms T680fs.
Identifiers: ClinVar variation 4993821 (VCV004993821.1).

ClinVar aggregate classification (germline): Likely pathogenic (1 of 4 stars; one submission).

Conditions:
KMT2D-related disorder. Also called: KMT2D-Related Disorders.

Submission:

PreventionGenetics, part of Exact Sciences
Classification: Likely pathogenic for KMT2D-related condition. Last evaluated: 2025-08-14. Review status: criteria provided, single submitter. Criteria: ACMG Guidelines, 2015. Collection method: clinical testing. Allele origin: germline.
Comment: The KMT2D c.2038dupA variant is predicted to result in a frameshift and premature protein termination (p.Thr680Asnfs*6). To our knowledge, this variant has not been reported in the literature or in a large population database (gnomAD), indicating this variant is rare. Frameshift variants in KMT2D are expected to be pathogenic. This variant is interpreted as likely pathogenic.